The following is an entry in ClinVar:

ClinVar aggregate classification (germline): Uncertain significance (1 of 4 stars; one submission).

Allele frequency attached by ClinVar (database versions not stated): TOPMed below 0.00001; gnomAD 0.00001.
gnomAD v4.1: 2 of 1,235,554 alleles (0.00016%); highest among the groups gnomAD compares: Non-Finnish European, 0.0002%; no homozygotes.

Submission:

Labcorp Genetics (formerly Invitae), Labcorp
Classification: Uncertain significance. Last evaluated: 2023-08-20. Review status: criteria provided, single submitter. Criteria: Invitae Variant Classification Sherloc (09022015). Collection method: clinical testing. Allele origin: germline.
Comment: This sequence change replaces proline, which is neutral and non-polar, with leucine, which is neutral and non-polar, at codon 65 of the FBXO11 protein (p.Pro65Leu). In summary, the available evidence is currently insufficient to determine the role of this variant in disease. Therefore, it has been classified as a Variant of Uncertain Significance. Experimental studies and prediction algorithms are not available or were not evaluated, and the functional significance of this variant is currently unknown. This variant has not been reported in the literature in individuals affected with FBXO11-related conditions. This variant is not present in population databases (gnomAD no frequency).

NM_001190274.2(FBXO11):c.194C>T (p.Pro65Leu)

Gene: FBXO11 (F-box protein 11; minus strand). Cytogenetic location: 2p16.3.
Variant type: single nucleotide variant.
Coding change: c.194C>T on transcript NM_001190274.2 (MANE Select); coding-DNA position 194, C replaced by T.
Protein change: p.Pro65Leu; replaces proline 65 with leucine.
Molecular consequence: missense variant.
Genome position (GRCh38, 1-based): chr2:47,905,527, G>A on the plus strand (C>T on the coding strand, the complement: FBXO11 is on the minus strand). VCF-style: chr2-47905527-G-A. GRCh37 (hg19) VCF-style: chr2-48132666-G-A.
Other names: short protein forms P65L.
Identifiers: ClinVar variation 2974980 (VCV002974980.3), dbSNP rs1558492981, ClinGen allele CA346812539.